The following is an entry in ClinVar:

NM_001376.5(DYNC1H1):c.7267A>G (p.Met2423Val)

Gene: DYNC1H1 (dynein cytoplasmic 1 heavy chain 1; plus strand). Cytogenetic location: 14q32.31.
Variant type: single nucleotide variant.
Coding change: c.7267A>G on transcript NM_001376.5 (MANE Select); coding-DNA position 7267, A replaced by G.
Protein change: p.Met2423Val; replaces methionine 2423 with valine.
Molecular consequence: missense variant.
Genome position (GRCh38, 1-based): chr14:102,015,880, A>G. VCF-style: chr14-102015880-A-G. GRCh37 (hg19) VCF-style: chr14-102482217-A-G.
Other names: short protein forms M2423V.
Identifiers: ClinVar variation 2193647 (VCV002193647.5), dbSNP rs374117928, ClinGen allele CA266952021.
Genomic context (GRCh38, chr14:102,015,880, plus strand): 5'-GAAAGATAGTTAAGTATCACTCCTTCCACTTTCTAGATCCAAAGAGATGCAGCTACGATC[A>G]TGCAACCGTACTTCACGTCCAACGGCCTGGTCACCAAGGCGCTAGAGCACGCCTTCCAGC-3'
Protein context (NP_001367.2, residues 2413-2433): LQIQRDAATI[Met2423Val]QPYFTSNGLV

ClinVar aggregate classification (germline): Uncertain significance. Review status: criteria provided, multiple submitters, no conflicts (2 of 4 stars). 2 submissions from 2 submitters: Uncertain significance (2). Last evaluated 2025-08-22.

Conditions:
Charcot-Marie-Tooth disease axonal type 2O. Also called: CHARCOT-MARIE-TOOTH NEUROPATHY, AXONAL, TYPE 2O; CHARCOT-MARIE-TOOTH DISEASE, AXONAL, AUTOSOMAL DOMINANT, TYPE 2O; Charcot-Marie-Tooth Neuropathy Type 2O; Charcot-Marie-Tooth disease, axonal, type 20. Identifiers: Orphanet 284232, MedGen C3280220, MONDO:0013644, OMIM 614228.
Inborn genetic diseases. Identifiers: MedGen C0950123, MeSH D030342.

Allele frequency attached by ClinVar (database versions not stated): TOPMed below 0.00001; gnomAD exomes 0.00001; ESP Exome Variant Server 0.00008.
gnomAD v4.1: 10 of 1,614,254 alleles (0.00062%); highest among the groups gnomAD compares: Non-Finnish European, 0.00076%; no homozygotes.

Submissions (2):

Ambry Genetics
Classification: Uncertain significance for Inborn genetic diseases. Last evaluated: 2025-08-22. Review status: criteria provided, single submitter. Criteria: Ambry Variant Classification Scheme 2023. Collection method: clinical testing. Allele origin: germline.

Labcorp Genetics (formerly Invitae), Labcorp
Classification: Uncertain significance for Charcot-Marie-Tooth disease axonal type 2O. Last evaluated: 2025-01-11. Review status: criteria provided, single submitter. Criteria: Invitae Variant Classification Sherloc (09022015). Collection method: clinical testing. Allele origin: germline.
Comment: This sequence change replaces methionine, which is neutral and non-polar, with valine, which is neutral and non-polar, at codon 2423 of the DYNC1H1 protein (p.Met2423Val). This variant is not present in population databases (gnomAD no frequency). This variant has not been reported in the literature in individuals affected with DYNC1H1-related conditions. ClinVar contains an entry for this variant (Variation ID: 2193647). Invitae Evidence Modeling of protein sequence and biophysical properties (such as structural, functional, and spatial information, amino acid conservation, physicochemical variation, residue mobility, and thermodynamic stability) indicates that this missense variant is not expected to disrupt DYNC1H1 protein function with a negative predictive value of 95%. In summary, the available evidence is currently insufficient to determine the role of this variant in disease. Therefore, it has been classified as a Variant of Uncertain Significance.